The following is an entry in ClinVar:

NM_203290.4(POLR1C):c.922+1G>C

Gene: POLR1C (RNA polymerase I and III subunit C; plus strand). Cytogenetic location: 6p21.1.
Variant type: single nucleotide variant.
Coding change: c.922+1G>C on transcript NM_203290.4 (MANE Select); the canonical splice donor site of the intron after coding-DNA position 922, G replaced by C.
Molecular consequence: splice donor variant.
Genome position (GRCh38, 1-based): chr6:43,521,049, G>C. VCF-style: chr6-43521049-G-C. GRCh37 (hg19) VCF-style: chr6-43488787-G-C.
Other names: c.922+1G>C (NM_001318876.2, NM_001363658.2).
Identifiers: ClinVar variation 2901003 (VCV002901003.4), dbSNP rs372409106, ClinGen allele CA138325095.
Genomic context (GRCh38, chr6:43,521,049, plus strand): 5'-TCCGGAATGAGAAGCTAAAGAAGGTTGTGAGGCTTGCCCGGGTTCGAGATCATTATATCT[G>C]TGAGTATGAAGTGGTGAGATGAGTGGGCAGTGCTCTTTGGTGCTGCAGCTTCCTTCCAGT-3'

ClinVar aggregate classification (germline): Conflicting classifications of pathogenicity. Review status: criteria provided, conflicting classifications (1 of 4 stars). 2 submissions from 2 submitters: Likely pathogenic (1); Uncertain significance (1). Last evaluated 2024-01-17.

Conditions:
Leukodystrophy, hypomyelinating, 11. Identifiers: Orphanet 88637, MedGen C4225305, MONDO:0014666, OMIM 616494.
Treacher Collins syndrome 3 (TCS3). Also called: POLR1C-Related Treacher Collins Syndrome. Identifiers: Orphanet 861, MedGen C1855433, MONDO:0009558, OMIM 248390.

Allele frequency attached by ClinVar (database versions not stated): TOPMed 0.00001; gnomAD 0.00002.
gnomAD v4.1: 167 of 1,611,800 alleles (0.01%); highest among the groups gnomAD compares: Non-Finnish European, 0.014%; no homozygotes.

Submissions (2):

Fulgent Genetics
Classification: Likely pathogenic for Treacher Collins syndrome 3; Leukodystrophy, hypomyelinating, 11. Last evaluated: 2024-01-17. Review status: criteria provided, single submitter. Criteria: ACMG Guidelines, 2015. Collection method: clinical testing. Allele origin: germline.

Labcorp Genetics (formerly Invitae), Labcorp
Classification: Uncertain significance. Last evaluated: 2023-04-14. Review status: criteria provided, single submitter. Criteria: Invitae Variant Classification Sherloc (09022015). Collection method: clinical testing. Allele origin: germline.
Comment: Variants that disrupt the consensus splice site are a relatively common cause of aberrant splicing (PMID: 17576681, 9536098). Algorithms developed to predict the effect of sequence changes on RNA splicing suggest that this variant may disrupt the consensus splice site. In summary, the available evidence is currently insufficient to determine the role of this variant in disease. Therefore, it has been classified as a Variant of Uncertain Significance. This variant disrupts the C-terminus of the POLR1C protein. Other variant(s) that disrupt this region (p.Lys327*) have been observed in individuals with POLR1C-related conditions (PMID: 21131976). This suggests that this may be a clinically significant region of the protein. This variant has not been reported in the literature in individuals affected with POLR1C-related conditions. This variant is present in population databases (rs372409106, gnomAD 0.004%). This sequence change affects a donor splice site in intron 8 of the POLR1C gene. While this variant is not anticipated to result in nonsense mediated decay, it likely alters RNA splicing and results in a disrupted protein product.

Literature cited by the submitters: PubMed 17576681 (cited by Labcorp Genetics (formerly Invitae), Labcorp); PubMed 9536098 (cited by Labcorp Genetics (formerly Invitae), Labcorp); PubMed 21131976 (cited by Labcorp Genetics (formerly Invitae), Labcorp).